The following is an entry in ClinVar:

NM_153816.6(SNX14):c.868-8del

Gene: SNX14 (sorting nexin 14; minus strand). Cytogenetic location: 6q14.3.
Variant type: Deletion.
Coding change: c.868-8del on transcript NM_153816.6 (MANE Select); 8 bases into the intron before coding-DNA position 868, one base deleted (T; older notation c.868-8delT).
Molecular consequence: intron variant.
Genome position (GRCh38, 1-based): chr6:85,547,558, A deleted on the plus strand (T on the coding strand, the reverse complement: SNX14 is on the minus strand); the first of 4 consecutive A bases (chr6:85,547,558-85,547,561); deleting any one gives the same sequence. VCF-style (leftmost placement, unchanged base first): chr6-85547557-GA-G. GRCh37 (hg19) VCF-style: chr6-86257275-GA-G.
Other names: c.577-8del (NM_001350543.2); c.709-8del (NM_001350539.2); c.580-8del (NM_001350542.2); c.424-8del (NM_001350546.2, NM_001350545.2); c.-183-8del (NM_001350547.2); c.568-8del (NM_001350544.2); c.-284-8del (NM_001350553.2, NM_001350549.2, NM_001350548.2 and 2 more transcripts); c.712-8del (NM_001304479.2); and 8 more.
Identifiers: ClinVar variation 731097 (VCV000731097.10), dbSNP rs541678552, ClinGen allele CA3912296.
Genomic context (GRCh38, chr6:85,547,557, plus strand): 5'-AATACTCACTGGACTGTCATCTATGAAGATGATAAGCAAATGATTCACAGTATCCTAGTG[GA>G]AAATAATAAACATAAGTCAAAATAATTCCACTACTGTATTCTCCCCAGAATTCTCATAAC-3'

ClinVar aggregate classification (germline): Benign. Review status: criteria provided, single submitter (1 of 4 stars). 2 submissions from 2 submitters: Benign (1). 1 of the submissions does not count toward it. Last evaluated 2025-12-02.

Conditions:
SNX14-related disorder. Also called: SNX14-related condition.

Submissions (2):

Labcorp Genetics (formerly Invitae), Labcorp
Classification: Benign. Last evaluated: 2025-12-02. Review status: criteria provided, single submitter. Criteria: Invitae Variant Classification Sherloc (09022015). Collection method: clinical testing. Allele origin: germline.

PreventionGenetics, part of Exact Sciences
Classification: Likely benign for SNX14-related condition. Last evaluated: 2019-09-10. Review status: no assertion criteria provided. Collection method: clinical testing. Allele origin: germline. Not counted in ClinVar's aggregate classification.
Comment: This variant is classified as likely benign based on ACMG/AMP sequence variant interpretation guidelines (Richards et al. 2015 PMID: 25741868, with internal and published modifications).